The following is an entry in ClinVar:

ClinVar aggregate classification (germline): Benign. Review status: criteria provided, multiple submitters, no conflicts (2 of 4 stars). 2 submissions from 2 submitters: Benign (2). Last evaluated 2018-01-13.

Conditions:
Deficiency of malonyl-CoA decarboxylase. Also called: Malonic aciduria; MCD deficiency. Identifiers: Orphanet 943, MedGen C0342793, MONDO:0009556, OMIM 248360.

Allele frequency attached by ClinVar (database versions not stated): gnomAD exomes 0.00078; gnomAD 0.00812 and 0.00899; TOPMed 0.01319; 1000 Genomes Project 30x 0.02014; 1000 Genomes Project 0.02097.
gnomAD v4.1: 2,047 of 994,464 alleles (0.21%); highest among the groups gnomAD compares: Admixed American, 6.1%; 64 homozygotes.

Submissions (2):

Illumina Laboratory Services, Illumina
Classification: Benign for Deficiency of malonyl-CoA decarboxylase. Last evaluated: 2018-01-13. Review status: criteria provided, single submitter. Criteria: ICSL Variant Classification Criteria 13 December 2019. Collection method: clinical testing. Allele origin: germline.
Comment: This variant was observed in the ICSL laboratory as part of a predisposition screen in an ostensibly healthy population. It had not been previously curated by ICSL or reported in the Human Gene Mutation Database (HGMD: prior to June 1st, 2018), and was therefore a candidate for classification through an automated scoring system. Utilizing variant allele frequency, disease prevalence and penetrance estimates, and inheritance mode, an automated score was calculated to assess if this variant is too frequent to cause the disease. Based on the score and internal cut-off values, a variant classified as benign is not then subjected to further curation. The score for this variant resulted in a classification of benign for this disease.

Breakthrough Genomics
Classification: Benign. Review status: criteria provided, single submitter. Criteria: ACMG Guidelines, 2015. Collection method: not provided. Allele origin: germline. Inheritance: Autosomal recessive inheritance. Affected: yes.

NM_012213.3(MLYCD):c.*618G>C

Gene: MLYCD (malonyl-CoA decarboxylase; plus strand). Cytogenetic location: 16q23.3.
Variant type: single nucleotide variant.
Coding change: c.*618G>C on transcript NM_012213.3 (MANE Select); 618 bases downstream of the stop codon, G replaced by C.
Molecular consequence: 3 prime UTR variant.
Genome position (GRCh38, 1-based): chr16:83,916,107, G>C. VCF-style: chr16-83916107-G-C. GRCh37 (hg19) VCF-style: chr16-83949712-G-C.
Identifiers: ClinVar variation 320756 (VCV000320756.6), dbSNP rs75701127, ClinGen allele CA10649057.